The following is an entry in ClinVar:

ClinVar aggregate classification (germline): Uncertain significance (1 of 4 stars; one submission).

Conditions:
Hajdu-Cheney syndrome (HJCYS). Also called: ACROOSTEOLYSIS WITH OSTEOPOROSIS AND CHANGES IN SKULL AND MANDIBLE; Acroosteolysis dominant type; SERPENTINE FIBULA-POLYCYSTIC KIDNEY SYNDROME. Identifiers: Orphanet 955, MedGen C0917715, MONDO:0007057, OMIM 102500.

Allele frequency attached by ClinVar (database versions not stated): TOPMed 0.00002.
gnomAD v4.1: 44 of 1,614,150 alleles (0.0027%); highest among the groups gnomAD compares: Non-Finnish European, 0.0037%; no homozygotes.

Submission:

Labcorp Genetics (formerly Invitae), Labcorp
Classification: Uncertain significance for Hajdu-Cheney syndrome. Last evaluated: 2022-11-07. Review status: criteria provided, single submitter. Criteria: Invitae Variant Classification Sherloc (09022015). Collection method: clinical testing. Allele origin: germline.
Comment: In summary, the available evidence is currently insufficient to determine the role of this variant in disease. Therefore, it has been classified as a Variant of Uncertain Significance. Advanced modeling of protein sequence and biophysical properties (such as structural, functional, and spatial information, amino acid conservation, physicochemical variation, residue mobility, and thermodynamic stability) performed at Invitae indicates that this missense variant is not expected to disrupt NOTCH2 protein function. This variant has not been reported in the literature in individuals affected with NOTCH2-related conditions. This variant is present in population databases (no rsID available, gnomAD 0.0009%). This sequence change replaces leucine, which is neutral and non-polar, with valine, which is neutral and non-polar, at codon 1289 of the NOTCH2 protein (p.Leu1289Val).

NM_024408.4(NOTCH2):c.3865C>G (p.Leu1289Val)

Gene: NOTCH2 (notch receptor 2; minus strand). Cytogenetic location: 1p12.
Variant type: single nucleotide variant.
Coding change: c.3865C>G on transcript NM_024408.4 (MANE Select); coding-DNA position 3865, C replaced by G.
Protein change: p.Leu1289Val; replaces leucine 1289 with valine.
Molecular consequence: missense variant.
Genome position (GRCh38, 1-based): chr1:119,929,003, G>C on the plus strand (C>G on the coding strand, the complement: NOTCH2 is on the minus strand). VCF-style: chr1-119929003-G-C. GRCh37 (hg19) VCF-style: chr1-120471626-G-C.
Other names: short protein forms L1289V.
Identifiers: ClinVar variation 2796202 (VCV002796202.3), dbSNP rs1403072397, ClinGen allele CA341893321.
Genomic context (GRCh38, chr1:119,929,003, plus strand): 5'-GCAGAGTGGCCAGGAGGCTAGAGAGCTTCTCACCAGTAAAGGCACTACGGCAAACACACA[G>C]GTAGTCATTGGTGAGCTGTATACAGTCCAGGCTGCCCTCAGAGCTGCAGGGGTTGGAGAG-3'
Protein context (NP_077719.2, residues 1279-1299): LDCIQLTNDY[Leu1289Val]CVCRSAFTGR